The following is an entry in ClinVar:

ClinVar aggregate classification (germline): Uncertain significance (1 of 4 stars; one submission).

Conditions:
Cardiovascular phenotype. Identifiers: MedGen CN230736.

Submission:

Ambry Genetics
Classification: Uncertain significance for Cardiovascular phenotype. Last evaluated: 2025-11-15. Review status: criteria provided, single submitter. Criteria: Ambry Variant Classification Scheme 2023. Collection method: clinical testing. Allele origin: germline.
Comment: The p.D38H variant (also known as c.112G>C), located in coding exon 1 of the CYP27A1 gene, results from a G to C substitution at nucleotide position 112. The aspartic acid at codon 38 is replaced by histidine, an amino acid with similar properties. This amino acid position is conserved. In addition, this alteration is predicted to be tolerated by in silico analysis. Based on the available evidence, the clinical significance of this variant remains unclear.

NM_000784.4(CYP27A1):c.112G>C (p.Asp38His)

Gene: CYP27A1 (cytochrome P450 family 27 subfamily A member 1; plus strand). Cytogenetic location: 2q35.
Variant type: single nucleotide variant.
Coding change: c.112G>C on transcript NM_000784.4 (MANE Select); coding-DNA position 112, G replaced by C.
Protein change: p.Asp38His; replaces aspartic acid 38 with histidine.
Molecular consequence: missense variant.
Genome position (GRCh38, 1-based): chr2:218,782,294, G>C. VCF-style: chr2-218782294-G-C. GRCh37 (hg19) VCF-style: chr2-219647017-G-C.
Other names: short protein forms D38H.
Identifiers: ClinVar variation 4613946 (VCV004613946.1).